The following is an entry in ClinVar:

ClinVar aggregate classification (germline): Uncertain significance. Review status: criteria provided, multiple submitters, no conflicts (2 of 4 stars). 2 submissions from 2 submitters: Uncertain significance (2). Last evaluated 2025-10-02.

Conditions:
Inborn genetic diseases. Identifiers: MedGen C0950123, MeSH D030342.

Allele frequency attached by ClinVar (database versions not stated): ExAC 0.00001; gnomAD exomes 0.00001; TOPMed 0.00002; gnomAD 0.00003.
gnomAD v4.1: 15 of 1,613,954 alleles (0.00093%); highest among the groups gnomAD compares: Non-Finnish European, 0.0012%; no homozygotes.

Submissions (2):

Labcorp Genetics (formerly Invitae), Labcorp
Classification: Uncertain significance. Last evaluated: 2025-10-02. Review status: criteria provided, single submitter. Criteria: Invitae Variant Classification Sherloc (09022015). Collection method: clinical testing. Allele origin: germline.
Comment: This sequence change replaces isoleucine, which is neutral and non-polar, with leucine, which is neutral and non-polar, at codon 236 of the ACVR1 protein (p.Ile236Leu). This variant is present in population databases (rs747230014, gnomAD 0.002%). This variant has not been reported in the literature in individuals affected with ACVR1-related conditions. ClinVar contains an entry for this variant (Variation ID: 1435444). An algorithm developed to predict the effect of missense changes on protein structure and function (PolyPhen-2) suggests that this variant is likely to be disruptive. In summary, the available evidence is currently insufficient to determine the role of this variant in disease. Therefore, it has been classified as a Variant of Uncertain Significance.

Ambry Genetics
Classification: Uncertain significance for Inborn genetic diseases. Last evaluated: 2025-07-01. Review status: criteria provided, single submitter. Criteria: Ambry Variant Classification Scheme 2023. Collection method: clinical testing. Allele origin: germline.

NM_001111067.4(ACVR1):c.706A>C (p.Ile236Leu)

Gene: ACVR1 (activin A receptor type 1; minus strand). Cytogenetic location: 2q24.1.
Variant type: single nucleotide variant.
Coding change: c.706A>C on transcript NM_001111067.4 (MANE Select); coding-DNA position 706, A replaced by C.
Protein change: p.Ile236Leu; replaces isoleucine 236 with leucine.
Molecular consequence: missense variant.
Genome position (GRCh38, 1-based): chr2:157,770,452, T>G on the plus strand (A>C on the coding strand, the complement: ACVR1 is on the minus strand). VCF-style: chr2-157770452-T-G. GRCh37 (hg19) VCF-style: chr2-158626964-T-G.
Other names: c.706A>C (NM_001105.4); c.706A>C, p.Ile236Leu (NM_001105.5, NM_001347663.1, NM_001347664.1 and 3 more transcripts); short protein forms I236L.
Identifiers: ClinVar variation 1435444 (VCV001435444.9), dbSNP rs747230014, ClinGen allele CA1919080.